The following is an entry in ClinVar:

ClinVar aggregate classification (germline): Conflicting classifications of pathogenicity. Review status: criteria provided, conflicting classifications (1 of 4 stars). 5 submissions from 5 submitters: Uncertain significance (1); Likely benign (3). 1 of the submissions does not count toward it. Last evaluated 2026-01-12.

Conditions:
Anemia, congenital dyserythropoietic, type 1a (CDAN1A). Also called: DYSERYTHROPOIETIC ANEMIA, CONGENITAL, TYPE Ia; CDAN1-Related Congenital Dyserythropoietic Anemia. Identifiers: MedGen C5574667, MONDO:0009135, OMIM 224120.
CDAN1-related disorder. Also called: CDAN1-related condition.
Congenital dyserythropoietic anemia, type I. Also called: Dyserythropoietic anemia, congenital type 1. Identifiers: Orphanet 98869, MedGen C0271933, MONDO:0020337. Disease mechanism: loss of function.

Allele frequency attached by ClinVar (database versions not stated): ESP Exome Variant Server 0.00039; 1000 Genomes Project 0.00040; TOPMed 0.00044; 1000 Genomes Project 30x 0.00047.
gnomAD v4.1: 1,061 of 1,599,596 alleles (0.066%); highest among the groups gnomAD compares: Middle Eastern, 0.17%; no homozygotes.

Submissions (5):

Labcorp Genetics (formerly Invitae), Labcorp
Classification: Likely benign. Last evaluated: 2026-01-12. Review status: criteria provided, single submitter. Criteria: Invitae Variant Classification Sherloc (09022015). Collection method: clinical testing. Allele origin: germline.

ARUP Laboratories, Molecular Genetics and Genomics, ARUP Laboratories
Classification: Likely benign for Anemia, congenital dyserythropoietic, type 1a. Last evaluated: 2024-11-14. Review status: criteria provided, single submitter. Criteria: ARUP Molecular Germline Variant Investigation Process 2024. Collection method: clinical testing. Allele origin: germline.

Blueprint Genetics
Classification: Likely benign. Last evaluated: 2024-11-04. Review status: criteria provided, single submitter. Criteria: ACMG Guidelines, 2015. Collection method: clinical testing. Allele origin: germline.

Illumina Laboratory Services, Illumina
Classification: Uncertain significance for Anemia, congenital dyserythropoietic, type 1a. Last evaluated: 2018-01-13. Review status: criteria provided, single submitter. Criteria: ICSL Variant Classification Criteria 13 December 2019. Collection method: clinical testing. Allele origin: germline.

PreventionGenetics, part of Exact Sciences
Classification: Likely benign for CDAN1-related condition. Last evaluated: 2022-07-05. Review status: no assertion criteria provided. Collection method: clinical testing. Allele origin: germline. Not counted in ClinVar's aggregate classification.
Comment: This variant is classified as likely benign based on ACMG/AMP sequence variant interpretation guidelines (Richards et al. 2015 PMID: 25741868, with internal and published modifications).

NM_138477.4(CDAN1):c.3135C>T (p.Asp1045=)

Gene: CDAN1 (codanin 1; minus strand). Cytogenetic location: 15q15.2.
Variant type: single nucleotide variant.
Coding change: c.3135C>T on transcript NM_138477.4 (MANE Select); coding-DNA position 3135, C replaced by T.
Protein change: p.Asp1045=; no amino-acid change (aspartic acid 1045 retained).
Molecular consequence: synonymous variant.
Genome position (GRCh38, 1-based): chr15:42,726,379, G>A on the plus strand (C>T on the coding strand, the complement: CDAN1 is on the minus strand). VCF-style: chr15-42726379-G-A. GRCh37 (hg19) VCF-style: chr15-43018577-G-A.
Identifiers: ClinVar variation 750583 (VCV000750583.17), dbSNP rs146289653, ClinGen allele CA7515268.